The following is an entry in ClinVar:

NM_000540.3(RYR1):c.1271C>T (p.Pro424Leu)

Gene: RYR1 (ryanodine receptor 1; plus strand). Cytogenetic location: 19q13.2.
Variant type: single nucleotide variant.
Coding change: c.1271C>T on transcript NM_000540.3 (MANE Select); coding-DNA position 1271, C replaced by T.
Protein change: p.Pro424Leu; replaces proline 424 with leucine.
Molecular consequence: missense variant.
Genome position (GRCh38, 1-based): chr19:38,452,845, C>T. VCF-style: chr19-38452845-C-T. GRCh37 (hg19) VCF-style: chr19-38943485-C-T.
Other names: c.1271C>T, p.Pro424Leu (NM_001042723.2); short protein forms P424L.
Identifiers: ClinVar variation 2904659 (VCV002904659.3), dbSNP rs929778418, ClinGen allele CA308120577.

ClinVar aggregate classification (germline): Uncertain significance. Review status: criteria provided, multiple submitters, no conflicts (2 of 4 stars). 2 submissions from 2 submitters: Uncertain significance (2). Last evaluated 2023-11-30.

Conditions:
Malignant hyperthermia, susceptibility to, 1 (MHS1). Also called: Malignant hyperthermia suceptibility 1; Anesthesia related hyperthermia; Malignant hyperpyrexia; Fulminating hyperpyrexia; Pharmacogenic myopathy; RYR1-Related Malignant Hyperthermia Susceptibility. Identifiers: Orphanet 423, MedGen C2930980, MONDO:0007783, OMIM 145600.
RYR1-related disorder. Also called: RYR1-related condition; RYR1-related disorders. Identifiers: MedGen CN239331.

Allele frequency attached by ClinVar (database versions not stated): gnomAD exomes below 0.00001; TOPMed below 0.00001.
gnomAD v4.1: 4 of 1,602,988 alleles (0.00025%); highest among the groups gnomAD compares: Non-Finnish European, 0.00034%; no homozygotes.

Submissions (2):

All of Us Research Program, National Institutes of Health
Classification: Uncertain significance for Malignant hyperthermia, susceptibility to, 1. Last evaluated: 2023-11-30. Review status: criteria provided, single submitter. Criteria: ACMG Guidelines, 2015. Collection method: clinical testing. Allele origin: germline. Inheritance: Autosomal dominant inheritance. Observed: 2 variant alleles, 2 heterozygotes.
Comment: This study involves interpretation of variants in research participants for the purpose of population health screening. Participant phenotype was not available at the time of variant classification. Additional details can be found in publication PMID: 35346344, PMCID: PMC8962531

Labcorp Genetics (formerly Invitae), Labcorp
Classification: Uncertain significance for RYR1-related disorder. Last evaluated: 2023-06-13. Review status: criteria provided, single submitter. Criteria: Invitae Variant Classification Sherloc (09022015). Collection method: clinical testing. Allele origin: germline.
Comment: In summary, the available evidence is currently insufficient to determine the role of this variant in disease. Therefore, it has been classified as a Variant of Uncertain Significance. Advanced modeling of protein sequence and biophysical properties (such as structural, functional, and spatial information, amino acid conservation, physicochemical variation, residue mobility, and thermodynamic stability) performed at Invitae indicates that this missense variant is not expected to disrupt RYR1 protein function. This variant has not been reported in the literature in individuals affected with RYR1-related conditions. This variant is not present in population databases (gnomAD no frequency). This sequence change replaces proline, which is neutral and non-polar, with leucine, which is neutral and non-polar, at codon 424 of the RYR1 protein (p.Pro424Leu).